The following is an entry in ClinVar:

NM_000350.3(ABCA4):c.5655del (p.Val1887fs)

Gene: ABCA4 (ATP binding cassette subfamily A member 4; minus strand). Cytogenetic location: 1p22.1.
Variant type: Deletion.
Coding change: c.5655del on transcript NM_000350.3 (MANE Select); coding-DNA position 5655, one base deleted (A; older notation c.5655delA).
Protein change: p.Val1887fs; shifts the reading frame from valine 1887.
Molecular consequence: frameshift variant.
Genome position (GRCh38, 1-based): chr1:94,010,859, T deleted on the plus strand (A on the coding strand, the reverse complement: ABCA4 is on the minus strand); the first of 2 consecutive T bases (chr1:94,010,859-94,010,860); deleting either gives the same sequence. VCF-style (leftmost placement, unchanged base first): chr1-94010858-CT-C. GRCh37 (hg19) VCF-style: chr1-94476414-CT-C.
Other names: c.5432delA, p.Val1813Trpfs (NM_001425324.1); short protein forms V1887fs.
Identifiers: ClinVar variation 851220 (VCV000851220.8), dbSNP rs1659524475, ClinGen allele CA916082052.
Genomic context (GRCh38, chr1:94,010,858, plus strand): 5'-ACCATTGGGAGAGGAAGAAGTGGCGCTGGACCAGCAGGGTCAGGAGGAAGTACACCACCC[CT>C]TCCACCACCATGGCAAACAGGTTCTTCCCAATCAGGTCCCAGTGGAACGGATTTGCAGAG-3'

ClinVar aggregate classification (germline): Pathogenic. Review status: criteria provided, multiple submitters, no conflicts (2 of 4 stars). 2 submissions from 2 submitters: Pathogenic (2). Last evaluated 2024-07-04.

Conditions:
Age related macular degeneration 2. Also called: MACULAR DEGENERATION, SENILE; MACULOPATHY, AGE-RELATED, 2; MACULOPATHY, AGE-RELATED. Identifiers: MedGen C3495438, MONDO:0007932, OMIM 153800.

Submissions (2):

Labcorp Genetics (formerly Invitae), Labcorp
Classification: Pathogenic. Last evaluated: 2024-07-04. Review status: criteria provided, single submitter. Criteria: Invitae Variant Classification Sherloc (09022015). Collection method: clinical testing. Allele origin: germline.
Comment: This sequence change creates a premature translational stop signal (p.Val1887Trpfs*6) in the ABCA4 gene. It is expected to result in an absent or disrupted protein product. Loss-of-function variants in ABCA4 are known to be pathogenic (PMID: 10958761, 24938718, 25312043, 26780318). This variant is not present in population databases (gnomAD no frequency). This premature translational stop signal has been observed in individual(s) with Stargardt disease (PMID: 32619608). ClinVar contains an entry for this variant (Variation ID: 851220). For these reasons, this variant has been classified as Pathogenic.

Mendelics
Classification: Pathogenic for Age related macular degeneration 2. Last evaluated: 2022-05-04. Review status: criteria provided, single submitter. Criteria: Mendelics Assertion Criteria 2019. Collection method: clinical testing. Allele origin: germline.

Literature cited by the submitters: PubMed 10958761 (cited by Labcorp Genetics (formerly Invitae), Labcorp); PubMed 24938718 (cited by Labcorp Genetics (formerly Invitae), Labcorp); PubMed 25312043 (cited by Labcorp Genetics (formerly Invitae), Labcorp); PubMed 26780318 (cited by Labcorp Genetics (formerly Invitae), Labcorp); PubMed 32619608 (cited by Labcorp Genetics (formerly Invitae), Labcorp).